The following is an entry in ClinVar:

ClinVar aggregate classification (germline): Uncertain significance (1 of 4 stars; one submission).

Conditions:
Pierpont syndrome (PRPTS). Identifiers: Orphanet 487825, MedGen C1865644, MONDO:0011213, OMIM 602342.

Submission:

Labcorp Genetics (formerly Invitae), Labcorp
Classification: Uncertain significance for Pierpont syndrome. Last evaluated: 2022-09-17. Review status: criteria provided, single submitter. Criteria: Invitae Variant Classification Sherloc (09022015). Collection method: clinical testing. Allele origin: germline.
Comment: In summary, the available evidence is currently insufficient to determine the role of this variant in disease. Therefore, it has been classified as a Variant of Uncertain Significance. Advanced modeling of protein sequence and biophysical properties (such as structural, functional, and spatial information, amino acid conservation, physicochemical variation, residue mobility, and thermodynamic stability) performed at Invitae indicates that this missense variant is expected to disrupt TBL1XR1 protein function. This variant has not been reported in the literature in individuals affected with TBL1XR1-related conditions. This variant is not present in population databases (gnomAD no frequency). This sequence change replaces proline, which is neutral and non-polar, with threonine, which is neutral and polar, at codon 409 of the TBL1XR1 protein (p.Pro409Thr).

NM_024665.7(TBL1XR1):c.1225C>A (p.Pro409Thr)

Gene: TBL1XR1 (TBL1X/Y related 1; minus strand). Cytogenetic location: 3q26.32.
Variant type: single nucleotide variant.
Coding change: c.1225C>A on transcript NM_024665.7 (MANE Select); coding-DNA position 1225, C replaced by A.
Protein change: p.Pro409Thr; replaces proline 409 with threonine.
Molecular consequence: missense variant.
Genome position (GRCh38, 1-based): chr3:177,034,223, G>T on the plus strand (C>A on the coding strand, the complement: TBL1XR1 is on the minus strand). VCF-style: chr3-177034223-G-T. GRCh37 (hg19) VCF-style: chr3-176752011-G-T.
Other names: c.1225C>A, p.Pro409Thr (NM_001321193.3, NM_001321194.3, NM_001374327.1 and 2 more transcripts); c.964C>A, p.Pro322Thr (NM_001321195.3, NM_001374330.1); short protein forms P322T, P409T.
Identifiers: ClinVar variation 1714096 (VCV001714096.5), dbSNP rs1008313618, ClinGen allele CA355554624.
Genomic context (GRCh38, chr3:177,034,223, plus strand): 5'-GACTCATAAAAGGAAAAATGAAACAGAAGTATCACCTTGCTAACATAAGGTTGGCATTTG[G>T]ATTATTAGTCCCTGGTCCTGTTGGACTCCATTTGATAGTATAAATTTCTTTATTATGTGC-3'
Protein context (NP_078941.2, residues 399-419): WSPTGPGTNN[Pro409Thr]NANLMLASAS